The following is an entry in ClinVar:

NM_145046.5(CALR3):c.739del (p.Leu247fs)

Gene: CALR3 (calreticulin 3; minus strand). Cytogenetic location: 19p13.11.
Variant type: Deletion.
Coding change: c.739del on transcript NM_145046.5 (MANE Select); coding-DNA position 739, one base deleted (C; older notation c.739delC).
Protein change: p.Leu247fs; shifts the reading frame from leucine 247.
Molecular consequence: frameshift variant.
Genome position (GRCh38, 1-based): chr19:16,482,725, G deleted on the plus strand (C on the coding strand, the reverse complement: CALR3 is on the minus strand); the first of 2 consecutive G bases (chr19:16,482,725-16,482,726); deleting either gives the same sequence. VCF-style (leftmost placement, unchanged base first): chr19-16482724-AG-A. GRCh37 (hg19) VCF-style: chr19-16593535-AG-A.
Other names: short protein forms L247fs.
Identifiers: ClinVar variation 4734332 (VCV004734332.1).

ClinVar aggregate classification (germline): Uncertain significance (1 of 4 stars; one submission).

Conditions:
Hypertrophic cardiomyopathy 19. Also called: Familial hypertrophic cardiomyopathy 19. Identifiers: MedGen CN077603, MONDO:0013476.

Submission:

Labcorp Genetics (formerly Invitae), Labcorp
Classification: Uncertain significance for Hypertrophic cardiomyopathy 19. Last evaluated: 2025-12-29. Review status: criteria provided, single submitter. Criteria: Invitae Variant Classification Sherloc (09022015). Collection method: clinical testing. Allele origin: germline.
Comment: This sequence change creates a premature translational stop signal (p.Leu247Trpfs*19) in the CALR3 gene. It is expected to result in an absent or disrupted protein product. However, the current clinical and genetic evidence is not sufficient to establish whether loss-of-function variants in CALR3 cause disease. This variant is not present in population databases (gnomAD no frequency). This variant has not been reported in the literature in individuals affected with CALR3-related conditions. In summary, the available evidence is currently insufficient to determine the role of this variant in disease. Therefore, it has been classified as a Variant of Uncertain Significance.